The following is an entry in ClinVar:

ClinVar aggregate classification (germline): Uncertain significance (1 of 4 stars; one submission).

Submission:

GeneDx
Classification: Uncertain significance. Last evaluated: 2024-12-13. Review status: criteria provided, single submitter. Criteria: GeneDx Variant Classification Process June 2021. Collection method: clinical testing. Allele origin: germline. Affected: yes.
Comment: Not observed at significant frequency in large population cohorts (gnomAD); In silico analysis indicates that this variant does not alter protein structure/function; Has not been previously published as pathogenic or benign to our knowledge

NM_145166.4(ZBTB47):c.70_71delinsAG (p.Gln24Arg)

Gene: ZBTB47 (zinc finger and BTB domain containing 47; plus strand). Cytogenetic location: 3p22.1.
Variant type: Indel.
Coding change: c.70_71delinsAG on transcript NM_145166.4 (MANE Select); coding-DNA positions 70 to 71, CA replaced by AG.
Protein change: p.Gln24Arg; replaces glutamine 24 with arginine.
Molecular consequence: missense variant.
Genome position (GRCh38, 1-based): chr3:42,658,425-42,658,426, CA replaced by AG. VCF-style: chr3-42658425-CA-AG. GRCh37 (hg19) VCF-style: chr3-42699917-CA-AG.
Other names: c.154_155delinsAG, p.Gln52Arg (NM_001410746.1); short protein forms Q24R, Q52R.
Identifiers: ClinVar variation 3903082 (VCV003903082.1).